The following is an entry in ClinVar:

NM_006892.4(DNMT3B):c.1760-6_1760-5delinsTG

Gene: DNMT3B (DNA methyltransferase 3 beta; plus strand). Cytogenetic location: 20q11.21.
Variant type: Indel.
Coding change: c.1760-6_1760-5delinsTG on transcript NM_006892.4 (MANE Select); 6 bases into the intron before coding-DNA position 1760 through 5 bases into the intron before coding-DNA position 1760, CC replaced by TG.
Molecular consequence: intron variant.
Genome position (GRCh38, 1-based): chr20:32,800,147-32,800,148, CC replaced by TG. VCF-style: chr20-32800147-CC-TG. GRCh37 (hg19) VCF-style: chr20-31387953-CC-TG.
Other names: c.1700-6_1700-5delinsTG (NM_175848.2, NM_175849.2); c.1574-6_1574-5delinsTG (NM_001207055.2); c.1472-6_1472-5delinsTG (NM_001207056.2); c.1736-6_1736-5delinsTG (NM_175850.3).
Identifiers: ClinVar variation 1005575 (VCV001005575.6), dbSNP rs1981147588, ClinGen allele CA2360462791.

ClinVar aggregate classification (germline): Uncertain significance (1 of 4 stars; one submission).

Conditions:
Centromeric instability of chromosomes 1,9 and 16 and immunodeficiency (ICF1). Also called: Immunodeficiency-centromeric instability-facial anomalies; IMMUNE DEFICIENCY, VARIABLE, WITH CENTROMERIC INSTABILITY OF CHROMOSOMES 1, 9, AND 16; IMMUNODEFICIENCY SYNDROME, VARIABLE; CENTROMERIC INSTABILITY, IMMUNODEFICIENCY SYNDROME. Identifiers: Orphanet 2268, MedGen C0398788, MONDO:0000133.

Submission:

Labcorp Genetics (formerly Invitae), Labcorp
Classification: Uncertain significance for Centromeric instability of chromosomes 1,9 and 16 and immunodeficiency. Last evaluated: 2021-08-28. Review status: criteria provided, single submitter. Criteria: Invitae Variant Classification Sherloc (09022015). Collection method: clinical testing. Allele origin: germline.
Comment: This sequence change falls in intron 16 of the DNMT3B gene. It does not directly change the encoded amino acid sequence of the DNMT3B protein. This variant is not present in population databases (ExAC no frequency). This variant has not been reported in the literature in individuals affected with DNMT3B-related conditions. Algorithms developed to predict the effect of sequence changes on RNA splicing suggest that this variant may disrupt the consensus splice site. In summary, the available evidence is currently insufficient to determine the role of this variant in disease. Therefore, it has been classified as a Variant of Uncertain Significance.